The following is an entry in ClinVar:

NM_172107.4(KCNQ2):c.365C>T (p.Ser122Leu)

Gene: KCNQ2 (potassium voltage-gated channel subfamily Q member 2; minus strand). Cytogenetic location: 20q13.33.
Variant type: single nucleotide variant.
Coding change: c.365C>T on transcript NM_172107.4 (MANE Select); coding-DNA position 365, C replaced by T.
Protein change: p.Ser122Leu; replaces serine 122 with leucine.
Molecular consequence: missense variant.
Genome position (GRCh38, 1-based): chr20:63,446,769, G>A on the plus strand (C>T on the coding strand, the complement: KCNQ2 is on the minus strand). VCF-style: chr20-63446769-G-A. GRCh37 (hg19) VCF-style: chr20-62078122-G-A.
Other names: p.S122L:TCG>TTG; c.365C>T, p.Ser122Leu (NM_004518.6, NM_172106.3, NM_172108.5 and 1 more transcripts); short protein forms S122L.
Identifiers: ClinVar variation 21787 (VCV000021787.21), dbSNP rs118192194, ClinGen allele CA315351.
Genomic context (GRCh38, chr20:63,446,769, plus strand): 5'-CTGGGCACTTCCAGCCCCCGCCCTCCCTCGGGGCTCACCAGGATGTAGAGGGCCCCCTCC[G>A]AGCTCTTCTCATACTCCTTGATGGTGGAAAACACAGACAGCACGAGGCAGGAGAAAACCA-3'
Protein context (NP_742105.1, residues 112-132): FSTIKEYEKS[Ser122Leu]EGALYILEIV

ClinVar aggregate classification (germline): Pathogenic/Likely pathogenic. Review status: criteria provided, multiple submitters, no conflicts (2 of 4 stars). 9 submissions from 9 submitters: Pathogenic (5); Likely pathogenic (1). 3 of the submissions do not count toward it. Last evaluated 2025-12-19.

Conditions:
Early-infantile DEE. Also called: Early infantile epileptic encephalopathy with suppression bursts; Ohtahara syndrome; Early infantile epileptic encephalopathy. Identifiers: Orphanet 1934, MedGen C0393706, MONDO:0800491.
Seizures, benign familial neonatal, 1. Also called: Benign Neonatal Epilepsy 1; KCNQ2-Related Benign Familial Neonatal Epilepsy; KCNQ2-Related Self-Limited Familial Neonatal Epilepsy (SLFNE); Seizures, benign neonatal, 1. Identifiers: Orphanet 1949, MedGen C3149074, MONDO:0007365, OMIM 121200.
Developmental and epileptic encephalopathy, 7 (DEE7). Also called: KCNQ2-Related Neonatal Epileptic Encephalopathy; KCNQ2-Related Neonatal-Onset Developmental and Epileptic Encephalopathy (NEO-DEE); Early infantile epileptic encephalopathy 7. Identifiers: Orphanet 439218, MedGen C3150986, MONDO:0013387, OMIM 613720.
KCNQ2-Related Disorders. Also called: KCNQ2-related condition; KCNQ2-related disorder. Identifiers: MedGen CN169299.

Submissions (9):

3billion
Classification: Pathogenic for Developmental and epileptic encephalopathy, 7. Last evaluated: 2025-12-19. Review status: criteria provided, single submitter. Criteria: ACMG Guidelines, 2015. Collection method: clinical testing. Allele origin: germline. Affected: yes.
Comment: The variant is not observed in the gnomAD v4.1.0 dataset. Predicted Consequence/Location: Missense variant Functional studies provide moderate evidence of the variant having a damaging effect on the gene or gene product (PMID: 16916607). In silico tool predictions suggest damaging effect of the variant on gene or gene product [REVEL: 0.82 (>=0.6, sensitivity 0.68 and specificity 0.92); 3Cnet: 0.99 (> 0.75, sensitivity 0.96 and precision 0.92)]. The same nucleotide change resulting in the same amino acid change has been previously reported as pathogenic/likely pathogenic with strong evidence (ClinVar ID: VCV000021787 /PMID: 16916607 /3billion dataset). The variant has been previously reported as assumed (i.e. paternity and maternity not confirmed) de novo in at least one similarly affected unrelated individual (PMID: 26544041). Therefore, this variant is classified as Pathogenic according to the recommendation of ACMG/AMP guideline.

Labcorp Genetics (formerly Invitae), Labcorp
Classification: Pathogenic for Early-infantile DEE. Last evaluated: 2024-11-21. Review status: criteria provided, single submitter. Criteria: Invitae Variant Classification Sherloc (09022015). Collection method: clinical testing. Allele origin: germline.
Comment: This sequence change replaces serine, which is neutral and polar, with leucine, which is neutral and non-polar, at codon 122 of the KCNQ2 protein (p.Ser122Leu). This variant is not present in population databases (gnomAD no frequency). This missense change has been observed in individual(s) with early infantile epileptic encephalopathy (PMID: 16916607, 26544041, 27602407). In at least one individual the variant was observed to be de novo. It has also been observed to segregate with disease in related individuals. ClinVar contains an entry for this variant (Variation ID: 21787). Invitae Evidence Modeling of protein sequence and biophysical properties (such as structural, functional, and spatial information, amino acid conservation, physicochemical variation, residue mobility, and thermodynamic stability) indicates that this missense variant is expected to disrupt KCNQ2 protein function with a positive predictive value of 95%. Experimental studies have shown that this missense change affects KCNQ2 function (PMID: 16916607). For these reasons, this variant has been classified as Pathogenic.

GeneDx
Classification: Pathogenic. Last evaluated: 2022-02-16. Review status: criteria provided, single submitter. Criteria: GeneDx Variant Classification Process June 2021. Collection method: clinical testing. Allele origin: germline. Affected: yes.
Comment: Published functional studies demonstrate slowed activation kinetics of the voltage-gated channel (Hunter et al., 2006); Missense variants in this gene are often considered pathogenic (HGMD); Not observed at significant frequency in large population cohorts (gnomAD); In silico analysis supports that this missense variant has a deleterious effect on protein structure/function; This substitution is predicted to be within the extracellular loop between the S1 and S2 transmembrane segments; This variant is associated with the following publications: (PMID: 33098118, 16916607, 18238816, 28074849, 28082013, 27602407, 18698150, 28488083, 26544041, 34070668, 34711204, 33659638)

Illumina Laboratory Services, Illumina
Classification: Pathogenic for KCNQ2-Related Disorders. Last evaluated: 2019-06-26. Review status: criteria provided, single submitter. Criteria: ICSLVariantClassificationCriteria RUGD 01 April 2020. Collection method: clinical testing. Allele origin: unknown.
Comment: The KCNQ2 c.365C>T (p.Ser122Leu) variant is a missense variant that has been reported in three studies, in which it is found in a heterozygous state in a total of six individuals, of whom three are unrelated (Hunter et al. 2006; Zhang et al. 2015; Millichap et al. 2016). One individual had early onset epileptic encephalopathy and five had benign familial neonatal seizures (BFNS). The p.Ser122Leu variant was found in a father with BNFS and his two affected sons, but was absent from three unaffected family members (Hunter et al. 2006). Additionally, a pair of siblings with BFNS were found to be heterozygous for the variant, but parental testing was not performed (Millichap et al. 2016). The variant was absent from 400 control subjects and is not found in the Genome Aggregation Database despite being in a region of good sequence coverage, so the variant is presumed to be rare. Electrophysiology studies were performed in Xenopus oocytes to assess the effect of the p.Ser122Leu variant. A shift in voltage dependence of activation was observed resulting in reduction of activation kinetics when compared to wild type (Hunter et al. 2006). Based on the collective evidence and the application of ACMG criteria, the p.Ser122Leu variant is classified as pathogenic for KCNQ2-related disorders.

Fulgent Genetics
Classification: Likely pathogenic for Seizures, benign familial neonatal, 1; Developmental and epileptic encephalopathy, 7. Last evaluated: 2018-10-31. Review status: criteria provided, single submitter. Criteria: ACMG Guidelines, 2015. Collection method: clinical testing. Allele origin: unknown.

Neuberg Centre For Genomic Medicine, NCGM
Classification: Pathogenic for Developmental and epileptic encephalopathy, 7. Review status: criteria provided, single submitter. Criteria: ACMG Guidelines, 2015. Collection method: clinical testing. Allele origin: germline. Affected: yes.
Comment: The missense variant p.S122L in KCNQ2 (NM_172107.4) has been previously reported in heterozygous state in affected indviduals with both epileptic encephalopathy and benign neonatal seizures (Zhang Y et al, Millichap J et al). Experimental studies show slower electrophysiological activation as compared to wild type (Hunter J et al). The variant has been deposited to ClinVar as Pathogenic. The p.S122L variant is novel (not in any individuals) in gnomAD Exomes and is novel (not in any individuals) in 1000 Genomes. The p.S122L missense variant is predicted to be damaging by both SIFT and PolyPhen2. The nucleotide c.365 in KCNQ2 is predicted conserved by GERP++ and PhyloP across 100 vertebrates. For these reasons, this variant has been classified as Pathogenic

GeneReviews
No classification provided. Condition: Seizures, benign familial neonatal, 1. Review status: no classification provided. Collection method: literature only. Allele origin: germline. Affected: yes. Not counted in ClinVar's aggregate classification.
Comment: BFNE (benign familial neonatal epilepsy). FS (febrile seizures) in later life; seizures until 7 years.

Functional effect: Rightward shift in current voltage-dependence in the sub-threshold region; decrease in current activation kinetics

Genome Diagnostics Laboratory, Amsterdam University Medical Center
Classification: Pathogenic. Review status: no assertion criteria provided. Collection method: clinical testing. Allele origin: germline. Affected: yes. Study: VKGL Data-share Consensus. Not counted in ClinVar's aggregate classification.

Genome Diagnostics Laboratory, University Medical Center Utrecht
Classification: Pathogenic. Review status: no assertion criteria provided. Collection method: clinical testing. Allele origin: germline. Affected: yes. Study: VKGL Data-share Consensus. Not counted in ClinVar's aggregate classification.

Literature cited by the submitters: PubMed 16916607 (cited by 4 submitters); PubMed 26544041 (cited by 3 submitters); PubMed 27602407 (cited by Labcorp Genetics (formerly Invitae), Labcorp and Illumina Laboratory Services, Illumina); NCBI Bookshelf NBK32534 (cited by GeneReviews).